The following is an entry in ClinVar:

ClinVar aggregate classification (germline): Pathogenic. Review status: reviewed by expert panel (3 of 4 stars). 4 submissions from 4 submitters: Pathogenic (1). 3 of the submissions do not count toward it. Last evaluated 2016-09-08.

Conditions:
Familial cancer of breast. Also called: BREAST CANCER, FAMILIAL; Hereditary breast cancer; hereditary breast carcinoma. Identifiers: Orphanet 227535, MedGen C0346153, MONDO:0016419, OMIM 114480. Disease mechanism: loss of function.
Hereditary breast ovarian cancer syndrome. Also called: Hereditary breast and ovarian cancer; Hereditary breast and ovarian cancer syndrome; Breast and ovarian cancer; Hereditary breast and ovarian cancer syndrome (HBOC); Hereditary breast and/or ovarian cancer syndrome; BRCA1- and BRCA2-Associated Hereditary Breast and Ovarian Cancer. Identifiers: Orphanet 145, MedGen C0677776, MeSH D061325, MONDO:0003582. Disease mechanism: loss of function.
Hereditary cancer-predisposing syndrome. Also called: Hereditary Cancer Syndrome; Neoplastic Syndromes, Hereditary; Tumor predisposition; Hereditary neoplastic syndrome. Identifiers: Orphanet 140162, MedGen C0027672, MeSH D009386, MONDO:0015356.
Breast-ovarian cancer, familial, susceptibility to, 2 (BROVCA2). Also called: BRCA2 Hereditary Breast and Ovarian Cancer. Identifiers: Orphanet 145, MedGen C2675520, MONDO:0012933, OMIM 612555. Disease mechanism: loss of function.

Submissions (4):

Evidence-based Network for the Interpretation of Germline Mutant Alleles (ENIGMA)
Classification: Pathogenic for Breast-ovarian cancer, familial, susceptibility to, 2. Last evaluated: 2016-09-08. Review status: reviewed by expert panel. Criteria: ENIGMA BRCA1/2 Classification Criteria (2015). Collection method: curation. Allele origin: germline.
Comment: Variant allele predicted to encode a truncated non-functional protein.

Labcorp Genetics (formerly Invitae), Labcorp
Classification: Pathogenic for Hereditary breast ovarian cancer syndrome. Last evaluated: 2023-12-04. Review status: criteria provided, single submitter. Criteria: Invitae Variant Classification Sherloc (09022015). Collection method: clinical testing. Allele origin: germline. Not counted in ClinVar's aggregate classification.
Comment: This sequence change creates a premature translational stop signal (p.Lys2124Argfs*6) in the BRCA2 gene. It is expected to result in an absent or disrupted protein product. Loss-of-function variants in BRCA2 are known to be pathogenic (PMID: 20104584). This variant is not present in population databases (gnomAD no frequency). This variant has not been reported in the literature in individuals affected with BRCA2-related conditions. ClinVar contains an entry for this variant (Variation ID: 187046). For these reasons, this variant has been classified as Pathogenic.

Baylor Genetics
Classification: Likely pathogenic for Familial cancer of breast. Last evaluated: 2023-08-04. Review status: criteria provided, single submitter. Criteria: ACMG Guidelines, 2015. Collection method: clinical testing. Allele origin: unknown. Not counted in ClinVar's aggregate classification.

Ambry Genetics
Classification: Pathogenic for Hereditary cancer-predisposing syndrome. Last evaluated: 2018-08-10. Review status: criteria provided, single submitter. Criteria: Ambry Variant Classification Scheme 2023. Collection method: clinical testing. Allele origin: germline. Not counted in ClinVar's aggregate classification.
Comment: The c.6367_6370dupGAAA pathogenic mutation, located in coding exon 10 of the BRCA2 gene, results from a duplication of GAAA at nucleotide position 6367, causing a translational frameshift with a predicted alternate stop codon (p.K2124Rfs*6). This alteration is expected to result in loss of function by premature protein truncation or nonsense-mediated mRNA decay. As such, this alteration is interpreted as a disease-causing mutation.

Literature cited by the submitters: PubMed 20104584 (cited by Labcorp Genetics (formerly Invitae), Labcorp).

NM_000059.4(BRCA2):c.6367_6370dup (p.Lys2124fs)

Gene: BRCA2 (BRCA2 DNA repair associated; plus strand). Cytogenetic location: 13q13.1.
Variant type: Duplication.
Coding change: c.6367_6370dup on transcript NM_000059.4 (MANE Select); coding-DNA positions 6367 to 6370, 4 bases duplicated (GAAA; older notation c.6367_6370dupGAAA).
Protein change: p.Lys2124fs; shifts the reading frame from lysine 2124.
Molecular consequence: frameshift variant.
Genome position (GRCh38, 1-based): chr13:32,340,722-32,340,725, GAAA duplicated. VCF-style (leftmost placement, unchanged base first): chr13-32340721-G-GGAAA. GRCh37 (hg19) VCF-style: chr13-32914858-G-GGAAA.
Other names: c.6367_6370dupGAAA (NM_000059.3); short protein forms K2124fs.
Identifiers: ClinVar variation 187046 (VCV000187046.13), dbSNP rs786203430, ClinGen allele CA196587.